The following is an entry in ClinVar:

ClinVar aggregate classification (germline): Uncertain significance (1 of 4 stars; one submission).

Submission:

Labcorp Genetics (formerly Invitae), Labcorp
Classification: Uncertain significance. Last evaluated: 2024-04-07. Review status: criteria provided, single submitter. Criteria: Invitae Variant Classification Sherloc (09022015). Collection method: clinical testing. Allele origin: germline.
Comment: This sequence change replaces leucine, which is neutral and non-polar, with arginine, which is basic and polar, at codon 226 of the ICOSLG protein (p.Leu226Arg). This variant is present in population databases (no rsID available, gnomAD 0.007%). This variant has not been reported in the literature in individuals affected with ICOSLG-related conditions. An algorithm developed to predict the effect of missense changes on protein structure and function (PolyPhen-2) suggests that this variant is likely to be disruptive. In summary, the available evidence is currently insufficient to determine the role of this variant in disease. Therefore, it has been classified as a Variant of Uncertain Significance.

NM_015259.6(ICOSLG):c.677T>G (p.Leu226Arg)

Gene: ICOSLG (inducible T cell costimulator ligand; minus strand). Cytogenetic location: 21q22.3.
Variant type: single nucleotide variant.
Coding change: c.677T>G on transcript NM_015259.6 (MANE Select); coding-DNA position 677, T replaced by G.
Protein change: p.Leu226Arg; replaces leucine 226 with arginine.
Molecular consequence: missense variant.
Genome position (GRCh38, 1-based): chr21:44,235,292, A>C on the plus strand (T>G on the coding strand, the complement: ICOSLG is on the minus strand). VCF-style: chr21-44235292-A-C. GRCh37 (hg19) VCF-style: chr21-45655175-A-C.
Other names: c.677T>G, p.Leu226Arg (NM_001283050.2, NM_001395918.1); c.326T>G, p.Leu109Arg (NM_001283051.2); c.422T>G, p.Leu141Arg (NM_001283052.2); c.596T>G, p.Leu199Arg (NM_001365759.2); short protein forms L141R, L226R, L109R, L199R.
Identifiers: ClinVar variation 3684206 (VCV003684206.2).